The following is an entry in ClinVar:

ClinVar aggregate classification (germline): Uncertain significance (1 of 4 stars; one submission).

gnomAD v4.1: 1 of 1,613,298 alleles (0.000062%); highest among the groups gnomAD compares: Non-Finnish European, 0.000085%; no homozygotes.

Submission:

Labcorp Genetics (formerly Invitae), Labcorp
Classification: Uncertain significance. Last evaluated: 2025-02-26. Review status: criteria provided, single submitter. Criteria: Invitae Variant Classification Sherloc (09022015). Collection method: clinical testing. Allele origin: germline.
Comment: This sequence change replaces isoleucine, which is neutral and non-polar, with valine, which is neutral and non-polar, at codon 59 of the SLC51B protein (p.Ile59Val). This variant is not present in population databases (gnomAD no frequency). This variant has not been reported in the literature in individuals affected with SLC51B-related conditions. An algorithm developed to predict the effect of missense changes on protein structure and function (PolyPhen-2) suggests that this variant is likely to be disruptive. In summary, the available evidence is currently insufficient to determine the role of this variant in disease. Therefore, it has been classified as a Variant of Uncertain Significance.

NM_178859.4(SLC51B):c.175A>G (p.Ile59Val)

Genes: RASL12 (RAS like family 12; minus strand), SLC51B (SLC51 subunit beta; plus strand). Cytogenetic location: 15q22.31.
Variant type: single nucleotide variant.
Coding change: c.175A>G on transcript NM_178859.4 (MANE Select); coding-DNA position 175, A replaced by G.
Protein change: p.Ile59Val; replaces isoleucine 59 with valine.
Molecular consequence: missense variant.
Genome position (GRCh38, 1-based): chr15:65,051,592, A>G. VCF-style: chr15-65051592-A-G. GRCh37 (hg19) VCF-style: chr15-65343930-A-G.
Other names: short protein forms I59V.
Identifiers: ClinVar variation 4805609 (VCV004805609.1).